The following is an entry in ClinVar:

ClinVar aggregate classification (germline): Pathogenic (1 of 4 stars; one submission).

Conditions:
Charcot-Marie-Tooth disease type 2. Also called: Charcot-Marie-Tooth type 2. Identifiers: Orphanet 64746, MedGen C0270914, MONDO:0018993.

Submission:

Labcorp Genetics (formerly Invitae), Labcorp
Classification: Pathogenic for Charcot-Marie-Tooth disease type 2. Last evaluated: 2025-10-27. Review status: criteria provided, single submitter. Criteria: Invitae Variant Classification Sherloc (09022015). Collection method: clinical testing. Allele origin: germline.
Comment: This sequence change replaces lysine, which is basic and polar, with threonine, which is neutral and polar, at codon 357 of the MFN2 protein (p.Lys357Thr). This variant is not present in population databases (gnomAD no frequency). This missense change has been observed in individuals with clinical features of autosomal dominant MFN2-related conditions (PMID: 37747677; internal data). ClinVar contains an entry for this variant (Variation ID: 1525804). Invitae Evidence Modeling of protein sequence and biophysical properties (such as structural, functional, and spatial information, amino acid conservation, physicochemical variation, residue mobility, and thermodynamic stability) indicates that this missense variant is expected to disrupt MFN2 protein function with a positive predictive value of 95%. This variant disrupts the p.Lys357 amino acid residue in MFN2. Other variant(s) that disrupt this residue have been determined to be pathogenic (PMID: 15549395). This suggests that this residue is clinically significant, and that variants that disrupt this residue are likely to be disease-causing. For these reasons, this variant has been classified as Pathogenic.

Literature cited by the submitters: PubMed 37747677; PubMed 15549395.

NM_014874.4(MFN2):c.1070A>C (p.Lys357Thr)

Gene: MFN2 (mitofusin 2; plus strand). Cytogenetic location: 1p36.22.
Variant type: single nucleotide variant.
Coding change: c.1070A>C on transcript NM_014874.4 (MANE Select); coding-DNA position 1070, A replaced by C.
Protein change: p.Lys357Thr; replaces lysine 357 with threonine.
Molecular consequence: missense variant.
Genome position (GRCh38, 1-based): chr1:12,002,013, A>C. VCF-style: chr1-12002013-A-C. GRCh37 (hg19) VCF-style: chr1-12062070-A-C.
Other names: c.1070A>C, p.Lys357Thr (NM_001127660.2); short protein forms K357T.
Identifiers: ClinVar variation 1525804 (VCV001525804.6), dbSNP rs2100841033, ClinGen allele CA338442761.